The following is an entry in ClinVar:

ClinVar aggregate classification (germline): Pathogenic (1 of 4 stars; one submission).

Conditions:
Polycystic kidney disease 4 (PKD4). Also called: POLYCYSTIC KIDNEY AND HEPATIC DISEASE 1; POLYCYSTIC KIDNEY DISEASE, INFANTILE, TYPE I; POLYCYSTIC KIDNEY DISEASE 4 WITH OR WITHOUT POLYCYSTIC LIVER DISEASE; PKD3; Autosomal Recessive Polycystic Kidney Disease – PKHD1. Identifiers: MedGen C4540575, MONDO:0033004, OMIM 263200.

Submission:

Myriad Genetics, Inc.
Classification: Pathogenic for Polycystic kidney disease 4. Last evaluated: 2023-10-27. Review status: criteria provided, single submitter. Criteria: Myriad Autosomal Dominant, Autosomal Recessive and X-Linked Classification Criteria (2023). Collection method: clinical testing. Allele origin: unknown.
Comment: NM_138694.3(PKHD1):c.3708delC(C1237Vfs*4) is expected to be pathogenic in the context of autosomal recessive polycystic kidney disease, PKHD1-related. This variant is predicted to lead to an abnormal or absent protein product due to the creation of a premature termination codon in PKHD1, a gene where loss-of-function variants are known to be pathogenic. Please note: this variant was assessed in the context of healthy population screening.

NM_138694.4(PKHD1):c.3708del (p.Cys1237fs)

Gene: PKHD1 (PKHD1 ciliary IPT domain containing fibrocystin/polyductin; minus strand). Cytogenetic location: 6p12.2.
Variant type: Deletion.
Coding change: c.3708del on transcript NM_138694.4 (MANE Select); coding-DNA position 3708, one base deleted (C; older notation c.3708delC).
Protein change: p.Cys1237fs; shifts the reading frame from cysteine 1237.
Molecular consequence: frameshift variant.
Genome position (GRCh38, 1-based): chr6:52,026,102, G deleted on the plus strand (C on the coding strand, the reverse complement: PKHD1 is on the minus strand); the first of 2 consecutive G bases (chr6:52,026,102-52,026,103); deleting either gives the same sequence. VCF-style (leftmost placement, unchanged base first): chr6-52026101-AG-A. GRCh37 (hg19) VCF-style: chr6-51890899-AG-A.
Other names: c.3708del, p.Cys1237fs (NM_170724.3); short protein forms C1237fs.
Identifiers: ClinVar variation 5012436 (VCV005012436.1).